The following is an entry in ClinVar:

NM_000388.4(CASR):c.121C>A (p.His41Asn)

Gene: CASR (calcium sensing receptor; plus strand). Cytogenetic location: 3q21.1.
Variant type: single nucleotide variant.
Coding change: c.121C>A on transcript NM_000388.4 (MANE Select); coding-DNA position 121, C replaced by A.
Protein change: p.His41Asn; replaces histidine 41 with asparagine.
Molecular consequence: missense variant.
Genome position (GRCh38, 1-based): chr3:122,254,310, C>A. VCF-style: chr3-122254310-C-A. GRCh37 (hg19) VCF-style: chr3-121973157-C-A.
Other names: c.121C>A, p.His41Asn (NM_001178065.2); short protein forms H41N.
Identifiers: ClinVar variation 1719334 (VCV001719334.7), dbSNP rs2473205535, ClinGen allele CA354362174.

ClinVar aggregate classification (germline): Uncertain significance. Review status: criteria provided, single submitter (1 of 4 stars). 2 submissions from 2 submitters: Uncertain significance (1). 1 of the submissions does not count toward it. Last evaluated 2023-04-16.

Conditions:
Autosomal dominant hypocalcemia 1 (HYPOC1). Also called: HYPOCALCEMIA, FAMILIAL. Identifiers: MedGen C3715128, MONDO:0011013, OMIM 601198.
Familial hypocalciuric hypercalcemia (FHH). Also called: Familial benign hypercalcemia. Identifiers: Orphanet 405, MedGen C1809471, MONDO:0018458.
Familial hypocalciuric hypercalcemia 1. Also called: Hypercalcemia, familial benign type 1. Identifiers: Orphanet 405, Orphanet 93372, MedGen C0342637, MONDO:0007791, OMIM 145980.

Submissions (2):

Labcorp Genetics (formerly Invitae), Labcorp
Classification: Uncertain significance for Familial hypocalciuric hypercalcemia; Autosomal dominant hypocalcemia 1. Last evaluated: 2023-04-16. Review status: criteria provided, single submitter. Criteria: Invitae Variant Classification Sherloc (09022015). Collection method: clinical testing. Allele origin: germline.
Comment: ClinVar contains an entry for this variant (Variation ID: 1719334). This variant has not been reported in the literature in individuals affected with CASR-related conditions. This variant is not present in population databases (gnomAD no frequency). This sequence change replaces histidine, which is basic and polar, with asparagine, which is neutral and polar, at codon 41 of the CASR protein (p.His41Asn). An algorithm developed to predict the effect of missense changes on protein structure and function (PolyPhen-2) suggests that this variant is likely to be disruptive. In summary, the available evidence is currently insufficient to determine the role of this variant in disease. Therefore, it has been classified as a Variant of Uncertain Significance.

Molecular Genetics Laboratory, Biobizkaia Health Research Institute
Classification: Pathogenic for Familial hypocalciuric hypercalcemia 1. Last evaluated: 2024-03-08. Review status: no assertion criteria provided. Collection method: clinical testing. Allele origin: biparental. Affected: yes. Not counted in ClinVar's aggregate classification.